The following is an entry in ClinVar:

ClinVar aggregate classification (germline): Uncertain significance (1 of 4 stars; one submission).

gnomAD v4.1: 5 of 1,604,486 alleles (0.00031%); highest among the groups gnomAD compares: Non-Finnish European, 0.00043%; no homozygotes.

Submission:

GeneDx
Classification: Uncertain significance. Last evaluated: 2025-06-26. Review status: criteria provided, single submitter. Criteria: GeneDx Variant Classification Process June 2021. Collection method: clinical testing. Allele origin: germline. Affected: yes.
Comment: Not observed at significant frequency in large population cohorts (gnomAD); In silico analysis supports that this missense variant has a deleterious effect on protein structure/function; Has not been previously published as pathogenic or benign to our knowledge

NM_012197.4(RABGAP1):c.2375G>A (p.Arg792His)

Gene: RABGAP1 (RAB GTPase activating protein 1; plus strand). Cytogenetic location: 9q33.2.
Variant type: single nucleotide variant.
Coding change: c.2375G>A on transcript NM_012197.4 (MANE Select); coding-DNA position 2375, G replaced by A.
Protein change: p.Arg792His; replaces arginine 792 with histidine.
Molecular consequence: missense variant.
Genome position (GRCh38, 1-based): chr9:123,076,713, G>A. VCF-style: chr9-123076713-G-A. GRCh37 (hg19) VCF-style: chr9-125838992-G-A.
Other names: short protein forms R792H.
Identifiers: ClinVar variation 4540323 (VCV004540323.1).
Genomic context (GRCh38, chr9:123,076,713, plus strand): 5'-TGTTGACAGACTTTGAAGGTGCCTTGAAGTTCTTTAGGGTTCAGCTTCCTAAGAGATACC[G>A]CTCAGAAGAAAATGCAAAAAAACTAATGGAATTAGCCTGCAACATGAAGGTAAAATAATT-3'
Protein context (NP_036329.3, residues 782-802): FFRVQLPKRY[Arg792His]SEENAKKLME